The following is an entry in ClinVar:

ClinVar aggregate classification (germline): Pathogenic (1 of 4 stars; one submission).

Submission:

Labcorp Genetics (formerly Invitae), Labcorp
Classification: Pathogenic. Last evaluated: 2022-10-28. Review status: criteria provided, single submitter. Criteria: Invitae Variant Classification Sherloc (09022015). Collection method: clinical testing. Allele origin: germline.
Comment: This variant is not present in population databases (gnomAD no frequency). This sequence change affects an acceptor splice site in intron 4 of the PHEX gene. It is expected to disrupt RNA splicing. Variants that disrupt the donor or acceptor splice site typically lead to a loss of protein function (PMID: 16199547), and loss-of-function variants in PHEX are known to be pathogenic (PMID: 9097956, 9106524, 19219621). Disruption of this splice site has been observed in individuals with hypophosphatemic rickets (Invitae). For these reasons, this variant has been classified as Pathogenic. Algorithms developed to predict the effect of sequence changes on RNA splicing suggest that this variant may disrupt the consensus splice site. ClinVar contains an entry for this variant (Variation ID: 854358).

Literature cited by the submitters: PubMed 16199547; PubMed 9097956; PubMed 9106524; PubMed 19219621.

NM_000444.6(PHEX):c.437-2A>C

Gene: PHEX (phosphate regulating endopeptidase X-linked; plus strand). Cytogenetic location: Xp22.11.
Variant type: single nucleotide variant.
Coding change: c.437-2A>C on transcript NM_000444.6 (MANE Select); the canonical splice acceptor site of the intron before coding-DNA position 437, A replaced by C.
Molecular consequence: splice acceptor variant.
Genome position (GRCh38, 1-based): chrX:22,077,474, A>C. VCF-style: chrX-22077474-A-C. GRCh37 (hg19) VCF-style: chrX-22095592-A-C.
Other names: c.437-2A>C (NM_001282754.2).
Identifiers: ClinVar variation 854358 (VCV000854358.12), dbSNP rs1929200391, ClinGen allele CA412571219.